The following is an entry in ClinVar:

ClinVar aggregate classification (germline): Uncertain significance (1 of 4 stars; one submission).

gnomAD v4.1: 5 of 1,607,202 alleles (0.00031%); highest among the groups gnomAD compares: Non-Finnish European, 0.00042%; no homozygotes.

Submission:

Labcorp Genetics (formerly Invitae), Labcorp
Classification: Uncertain significance. Last evaluated: 2025-03-11. Review status: criteria provided, single submitter. Criteria: Invitae Variant Classification Sherloc (09022015). Collection method: clinical testing. Allele origin: germline.
Comment: This sequence change replaces histidine, which is basic and polar, with glutamine, which is neutral and polar, at codon 552 of the TNNI3K protein (p.His552Gln). This variant is not present in population databases (gnomAD no frequency). This variant has not been reported in the literature in individuals affected with TNNI3K-related conditions. Invitae Evidence Modeling of protein sequence and biophysical properties (such as structural, functional, and spatial information, amino acid conservation, physicochemical variation, residue mobility, and thermodynamic stability) indicates that this missense variant is not expected to disrupt TNNI3K protein function with a negative predictive value of 80%. In summary, the available evidence is currently insufficient to determine the role of this variant in disease. Therefore, it has been classified as a Variant of Uncertain Significance.

NM_015978.3(TNNI3K):c.1656T>G (p.His552Gln)

Genes: FPGT-TNNI3K (FPGT-TNNI3K readthrough; plus strand), TNNI3K (TNNI3 interacting kinase; plus strand). Cytogenetic location: 1p31.1.
Variant type: single nucleotide variant.
Coding change: c.1656T>G on transcript NM_015978.3 (MANE Select); coding-DNA position 1656, T replaced by G.
Protein change: p.His552Gln; replaces histidine 552 with glutamine.
Molecular consequence: missense variant.
Genome position (GRCh38, 1-based): chr1:74,369,574, T>G. VCF-style: chr1-74369574-T-G. GRCh37 (hg19) VCF-style: chr1-74835258-T-G.
Other names: c.1959T>G, p.His653Gln (NM_001112808.3, NM_001199327.2); short protein forms H552Q, H653Q.
Identifiers: ClinVar variation 4695592 (VCV004695592.1).